The following is an entry in ClinVar:

ClinVar aggregate classification (germline): Benign/Likely benign. Review status: criteria provided, multiple submitters, no conflicts (2 of 4 stars). 6 submissions from 6 submitters: Benign (2); Likely benign (2). 2 of the submissions do not count toward it. Last evaluated 2026-02-02.

Conditions:
AGL-related disorder. Also called: AGL-related condition.
Glycogen storage disease type III (GSD3). Also called: FORBES DISEASE; Cori disease. Identifiers: Orphanet 366, MedGen C0017922, MONDO:0009291, OMIM 232400.

Allele frequency attached by ClinVar (database versions not stated): gnomAD 0.00009; 1000 Genomes Project 30x 0.00016; 1000 Genomes Project 0.00020; TOPMed 0.00021; ExAC 0.00065.
gnomAD v4.1: 204 of 1,613,892 alleles (0.013%); highest among the groups gnomAD compares: Admixed American, 0.24%; no homozygotes.

Submissions (6):

Labcorp Genetics (formerly Invitae), Labcorp
Classification: Benign for Glycogen storage disease type III. Last evaluated: 2026-02-02. Review status: criteria provided, single submitter. Criteria: Invitae Variant Classification Sherloc (09022015). Collection method: clinical testing. Allele origin: germline.

Mayo Clinic Laboratories, Mayo Clinic
Classification: Likely benign. Last evaluated: 2025-08-29. Review status: criteria provided, single submitter. Criteria: ACMG Guidelines, 2015. Collection method: clinical testing. Allele origin: germline. Observed: 4 variant alleles.
Comment: BS1, BP4, BP7

Genome-Nilou Lab
Classification: Benign for Glycogen storage disease type III. Last evaluated: 2021-07-15. Review status: criteria provided, single submitter. Criteria: ACMG Guidelines, 2015. Collection method: clinical testing. Allele origin: germline. Affected: no.

GeneDx
Classification: Likely benign. Last evaluated: 2018-02-02. Review status: criteria provided, single submitter. Criteria: GeneDx Variant Classification (06012015). Collection method: clinical testing. Allele origin: germline. Affected: yes.
Comment: This variant is considered likely benign or benign based on one or more of the following criteria: it is a conservative change, it occurs at a poorly conserved position in the protein, it is predicted to be benign by multiple in silico algorithms, and/or has population frequency not consistent with disease.

PreventionGenetics, part of Exact Sciences
Classification: Likely benign for AGL-related condition. Last evaluated: 2020-10-02. Review status: no assertion criteria provided. Collection method: clinical testing. Allele origin: germline. Not counted in ClinVar's aggregate classification.
Comment: This variant is classified as likely benign based on ACMG/AMP sequence variant interpretation guidelines (Richards et al. 2015 PMID: 25741868, with internal and published modifications).

Natera, Inc.
Classification: Likely benign for Glycogen storage disease type III. Last evaluated: 2019-12-10. Review status: no assertion criteria provided. Collection method: clinical testing. Allele origin: germline. Not counted in ClinVar's aggregate classification.

NM_000642.3(AGL):c.1602C>T (p.His534=)

Gene: AGL (amylo-alpha-1,6-glucosidase and 4-alpha-glucanotransferase; plus strand). Cytogenetic location: 1p21.2.
Variant type: single nucleotide variant.
Coding change: c.1602C>T on transcript NM_000642.3 (MANE Select); coding-DNA position 1602, C replaced by T.
Protein change: p.His534=; no amino-acid change (histidine 534 retained).
Molecular consequence: synonymous variant.
Genome position (GRCh38, 1-based): chr1:99,877,819, C>T. VCF-style: chr1-99877819-C-T. GRCh37 (hg19) VCF-style: chr1-100343375-C-T.
Other names: p.His534=; c.1602C>T, p.His534= (NM_000644.3, NM_001425325.1, NM_001425326.1 and 2 more transcripts); c.1554C>T, p.His518= (NM_000646.3); c.1401C>T, p.His467= (NM_001425327.1); c.1398C>T, p.His466= (NM_001425328.1, NM_001425329.1); c.1224C>T, p.His408= (NM_001425332.1).
Identifiers: ClinVar variation 456456 (VCV000456456.21), dbSNP rs563472929, ClinGen allele CA966536.